The following is an entry in ClinVar:

NM_001367823.1(ARHGEF18):c.3056C>T (p.Ala1019Val)

Gene: ARHGEF18 (Rho/Rac guanine nucleotide exchange factor 18; plus strand). Cytogenetic location: 19p13.2.
Variant type: single nucleotide variant.
Coding change: c.3056C>T on transcript NM_001367823.1 (MANE Select); coding-DNA position 3056, C replaced by T.
Protein change: p.Ala1019Val; replaces alanine 1019 with valine.
Molecular consequence: missense variant.
Genome position (GRCh38, 1-based): chr19:7,467,260, C>T. VCF-style: chr19-7467260-C-T. GRCh37 (hg19) VCF-style: chr19-7532146-C-T.
Other names: c.2330C>T, p.Ala777Val (NM_001130955.2); c.2018C>T, p.Ala673Val (NM_001367824.1, NM_015318.4); short protein forms A673V, A777V, A1019V.
Identifiers: ClinVar variation 1387935 (VCV001387935.5), dbSNP rs1257671231, ClinGen allele CA403086615.
Genomic context (GRCh38, chr19:7,467,260, plus strand): 5'-CTGGCCCTCCGCAGGCGGTAATCGCCCACCAGGACAGCTATGTGGAGACGCAGCGGGCTG[C>T]CATCCAGGAGCGGGAGAAGCAGTTCCGGCTGCAGTCGACGCGTGGGAACCTGCTGCTGGA-3'
Protein context (NP_001354752.1, residues 1009-1029): QDSYVETQRA[Ala1019Val]IQEREKQFRL

ClinVar aggregate classification (germline): Uncertain significance (1 of 4 stars; one submission).

Allele frequency attached by ClinVar (database versions not stated): TOPMed below 0.00001.

Submission:

Labcorp Genetics (formerly Invitae), Labcorp
Classification: Uncertain significance. Last evaluated: 2021-10-19. Review status: criteria provided, single submitter. Criteria: Invitae Variant Classification Sherloc (09022015). Collection method: clinical testing. Allele origin: germline.
Comment: The frequency data for this variant in the population databases is considered unreliable, as metrics indicate insufficient coverage at this position in the ExAC database. This variant has not been reported in the literature in individuals affected with ARHGEF18-related conditions. Algorithms developed to predict the effect of missense changes on protein structure and function (SIFT, PolyPhen-2, Align-GVGD) all suggest that this variant is likely to be tolerated. In summary, the available evidence is currently insufficient to determine the role of this variant in disease. Therefore, it has been classified as a Variant of Uncertain Significance. This sequence change replaces alanine with valine at codon 831 of the ARHGEF18 protein (p.Ala831Val). The alanine residue is moderately conserved and there is a small physicochemical difference between alanine and valine.